The following is an entry in ClinVar:

NM_001009944.3(PKD1):c.11192_11193delinsCT (p.Leu3731Pro)

Genes: PKD1 (polycystin 1, transient receptor potential channel interacting; minus strand), PKD1-AS1 (PKD1 antisense RNA 1; plus strand). Cytogenetic location: 16p13.3.
Variant type: Indel.
Coding change: c.11192_11193delinsCT on transcript NM_001009944.3 (MANE Select); coding-DNA positions 11192 to 11193, TG replaced by CT.
Protein change: p.Leu3731Pro; replaces leucine 3731 with proline.
Molecular consequence: missense variant.
Genome position (GRCh38, 1-based): chr16:2,092,556-2,092,557, CA replaced by AG on the plus strand (TG replaced by CT on the coding strand, the reverse complement: PKD1 is on the minus strand). VCF-style: chr16-2092556-CA-AG. GRCh37 (hg19) VCF-style: chr16-2142557-CA-AG.
Other names: c.11189_11190delinsCT, p.Leu3730Pro (NM_000296.4); short protein forms L3730P, L3731P.
Identifiers: ClinVar variation 3236761 (VCV003236761.1), dbSNP rs2544632089.
Genomic context (GRCh38, chr16:2,092,556, plus strand): 5'-CTGCCGCAGCCGTGGGGGCCCCAGCTCTGGGCTGGACTGGTTCCCGTGGACGTAGGGCAG[CA>AG]GCACGTGGGCCATCCATGGCCAGAGCTCCTCAGACCTGCCACAGCATCAGTCACACGCTC-3'
Protein context (NP_001009944.3, residues 3721-3741): EELWPWMAHV[Leu3731Pro]LPYVHGNQSS

ClinVar aggregate classification (germline): Uncertain significance (1 of 4 stars; one submission).

Conditions:
Polycystic kidney disease, adult type (PKD1). Also called: Polycystic Kidney Disease 1, Autosomal Dominant; Polycystic kidney disease 1; Polycystic kidney disease 1, severe; Polycystic Kidney, Autosomal Dominant; POLYCYSTIC KIDNEY DISEASE 1 WITH OR WITHOUT POLYCYSTIC LIVER DISEASE; POLYCYSTIC KIDNEY DISEASE, ADULT, TYPE I. Identifiers: MedGen C3149841, MONDO:0008263, OMIM 173900.

Submission:

MVZ Medizinische Genetik Mainz
Classification: Uncertain significance for Polycystic kidney disease, adult type. Last evaluated: 2023-03-17. Review status: criteria provided, single submitter. Criteria: UK Practice Guidelines For Variant Classification V4 01 2020. Collection method: clinical testing. Allele origin: germline. Inheritance: Autosomal dominant inheritance. Affected: yes. Observed: 1 variant allele.
Comment: ACMG Criteria: PM5,PM2_SUP,PP3,PP4